The following is an entry in ClinVar:

ClinVar aggregate classification (germline): Benign/Likely benign. Review status: criteria provided, multiple submitters, no conflicts (2 of 4 stars). 5 submissions from 5 submitters: Benign (1); Likely benign (3). 1 of the submissions does not count toward it. Last evaluated 2026-01-16.

Conditions:
X-linked Alport syndrome (ATS1). Also called: COL4A5-Related Nephropathy; NEPHROPATHY AND DEAFNESS, X-LINKED. Identifiers: Orphanet 63, Orphanet 88917, MedGen C4746986, MONDO:0010520, OMIM 301050.

Allele frequency attached by ClinVar (database versions not stated): ESP Exome Variant Server 0.00019; TOPMed 0.00019; gnomAD 0.00020 and 0.00021; gnomAD exomes 0.00026; ExAC 0.00027.
gnomAD v4.1: 408 of 1,193,271 alleles (0.034%); highest among the groups gnomAD compares: Non-Finnish European, 0.046%; no homozygotes.

Submissions (5):

Labcorp Genetics (formerly Invitae), Labcorp
Classification: Benign. Last evaluated: 2026-01-16. Review status: criteria provided, single submitter. Criteria: Invitae Variant Classification Sherloc (09022015). Collection method: clinical testing. Allele origin: germline.

Mayo Clinic Laboratories, Mayo Clinic
Classification: Likely benign. Last evaluated: 2025-11-04. Review status: criteria provided, single submitter. Criteria: ACMG Guidelines, 2015. Collection method: clinical testing. Allele origin: germline. Observed: 2 variant alleles.
Comment: BP4, BP7

Blueprint Genetics
Classification: Likely benign. Last evaluated: 2024-03-25. Review status: criteria provided, single submitter. Criteria: ACMG Guidelines, 2015. Collection method: clinical testing. Allele origin: germline.

Fulgent Genetics
Classification: Likely benign for X-linked Alport syndrome. Last evaluated: 2021-12-27. Review status: criteria provided, single submitter. Criteria: ACMG Guidelines, 2015. Collection method: clinical testing. Allele origin: unknown.

Natera, Inc.
Classification: Likely benign for X-linked Alport syndrome. Last evaluated: 2020-03-20. Review status: no assertion criteria provided. Collection method: clinical testing. Allele origin: germline. Not counted in ClinVar's aggregate classification.

NM_033380.3(COL4A5):c.2400T>C (p.Asp800=)

Gene: COL4A5 (collagen type IV alpha 5 chain; plus strand). Cytogenetic location: Xq22.3.
Variant type: single nucleotide variant.
Coding change: c.2400T>C on transcript NM_033380.3 (MANE Select); coding-DNA position 2400, T replaced by C.
Protein change: p.Asp800=; no amino-acid change (aspartic acid 800 retained).
Molecular consequence: synonymous variant.
Genome position (GRCh38, 1-based): chrX:108,614,915, T>C. VCF-style: chrX-108614915-T-C. GRCh37 (hg19) VCF-style: chrX-107858145-T-C.
Other names: p.Asp800=; c.2400T>C, p.Asp800= (NM_000495.5).
Identifiers: ClinVar variation 1169671 (VCV001169671.13), dbSNP rs372505008, ClinGen allele CA10488911.
Genomic context (GRCh38, chrX:108,614,915, plus strand): 5'-AGGACTAGTGACTCAGGTGTTGCTTTTAATATTTAAACTGTATTTATTTCTTAAAGGTGA[T>C]GTTGGACCAAATGGACAACCTGGACCAATGGGACCTCCTGGGCTGCCAGGAATAGGTGTT-3'
Protein context (NP_203699.1, residues 790-810): GLDGLPGPKG[Asp800=]VGPNGQPGPM